The following is an entry in ClinVar:

NM_004937.3(CTNS):c.140+1del

Gene: CTNS (cystinosin, lysosomal cystine transporter; plus strand). Cytogenetic location: 17p13.2.
Variant type: Deletion.
Coding change: c.140+1del on transcript NM_004937.3 (MANE Select); the canonical splice donor site of the intron after coding-DNA position 140, one base deleted (G; older notation c.140+1delG).
Molecular consequence: splice donor variant. On other transcripts: intron variant (1).
Genome position (GRCh38, 1-based): chr17:3,647,523, G deleted; the last of 2 consecutive G bases (chr17:3,647,522-3,647,523); deleting either gives the same sequence. VCF-style (leftmost placement, unchanged base first): chr17-3647521-CG-C. GRCh37 (hg19) VCF-style: chr17-3550815-CG-C.
Other names: c.140+1del (NM_001031681.3, NM_001374492.1); c.-217+1del (NM_001374493.1, NM_001374496.1); c.-217+7256del (NM_001374495.1); c.-302+1del (NM_001374494.1).
Identifiers: ClinVar variation 1068522 (VCV001068522.49), dbSNP rs2150904759, ClinGen allele CA2499224293.

ClinVar aggregate classification (germline): Pathogenic (1 of 4 stars; one submission).

Conditions:
Juvenile nephropathic cystinosis. Also called: Intermediate Cystinosis; CYSTINOSIS, LATE-ONSET JUVENILE OR ADOLESCENT NEPHROPATHIC TYPE; Later-Onset (Juvenile) Cystinosis. Identifiers: Orphanet 213, Orphanet 411634, MedGen C0268626, MONDO:0009066, OMIM 219900.
Inborn genetic diseases. Identifiers: MedGen C0950123, MeSH D030342.
Ocular cystinosis. Also called: Non-Nephropathic Cystinosis; Non-Nephropathic (Ocular) Cystinosis. Identifiers: Orphanet 213, Orphanet 411641, MedGen C2931013, MONDO:0009064, OMIM 219750.

Submission:

Labcorp Genetics (formerly Invitae), Labcorp
Classification: Pathogenic for Inborn genetic diseases; Ocular cystinosis; Juvenile nephropathic cystinosis. Last evaluated: 2020-02-11. Review status: criteria provided, single submitter. Criteria: Invitae Variant Classification Sherloc (09022015). Collection method: clinical testing. Allele origin: germline.
Comment: Disruption of this splice site has been observed in individual(s) with cystinosis (PMID: 9537412). In at least one individual the data is consistent with the variant being in trans (on the opposite chromosome) from a pathogenic variant. For these reasons, this variant has been classified as Pathogenic. Donor and acceptor splice site variants typically lead to a loss of protein function (PMID: 16199547), and loss-of-function variants in CTNS are known to be pathogenic (PMID: 9537412, 27102039). Algorithms developed to predict the effect of sequence changes on RNA splicing suggest that this variant may disrupt the consensus splice site, but this prediction has not been confirmed by published transcriptional studies. This variant is not present in population databases (ExAC no frequency). This sequence change affects a donor splice site in intron 4 of the CTNS gene. It is expected to disrupt RNA splicing and likely results in an absent or disrupted protein product.

Literature cited by the submitters: PubMed 9537412; PubMed 16199547; PubMed 27102039.